The following is an entry in ClinVar:

ClinVar aggregate classification (germline): Uncertain significance. Review status: criteria provided, multiple submitters, no conflicts (2 of 4 stars). 2 submissions from 2 submitters: Uncertain significance (2). Last evaluated 2025-03-31.

Conditions:
Saldino-Mainzer syndrome (SRTD9). Also called: CONORENAL SYNDROME; Renal dysplasia, retinal pigmentary dystrophy, cerebellar ataxia and skeletal dysplasia; SHORT-RIB THORACIC DYSPLASIA 9 WITHOUT POLYDACTYLY; short-rib thoracic dysplasia 9 with or without polydactyly. Identifiers: Orphanet 140969, MedGen C1849437, MONDO:0009964, OMIM 266920.
Retinitis pigmentosa 80 (RP80). Identifiers: MedGen C4540439, MONDO:0054708, OMIM 617781.

Submissions (2):

Labcorp Genetics (formerly Invitae), Labcorp
Classification: Uncertain significance for Saldino-Mainzer syndrome. Last evaluated: 2025-03-31. Review status: criteria provided, single submitter. Criteria: Invitae Variant Classification Sherloc (09022015). Collection method: clinical testing. Allele origin: germline.
Comment: This variant, c.4347_4367del, results in the deletion of 7 amino acid(s) of the IFT140 protein (p.Leu1450_Glu1456del), but otherwise preserves the integrity of the reading frame. This variant is present in population databases (rs760889117, gnomAD 0.002%). This variant has not been reported in the literature in individuals affected with IFT140-related conditions. ClinVar contains an entry for this variant (Variation ID: 1362984). Experimental studies and prediction algorithms are not available or were not evaluated, and the functional significance of this variant is currently unknown. In summary, the available evidence is currently insufficient to determine the role of this variant in disease. Therefore, it has been classified as a Variant of Uncertain Significance.

Fulgent Genetics
Classification: Uncertain significance for Saldino-Mainzer syndrome; Retinitis pigmentosa 80. Last evaluated: 2021-07-27. Review status: criteria provided, single submitter. Criteria: ACMG Guidelines, 2015. Collection method: clinical testing. Allele origin: unknown.

NM_014714.4(IFT140):c.4347_4367del (p.Leu1450_Glu1456del)

Gene: IFT140 (intraflagellar transport 140; minus strand). Cytogenetic location: 16p13.3.
Variant type: Deletion.
Coding change: c.4347_4367del on transcript NM_014714.4 (MANE Select); coding-DNA positions 4347 to 4367, 21 bases deleted (GCTGGACGAGGAGGTGGTGGA).
Protein change: p.Leu1450_Glu1456del.
Molecular consequence: inframe deletion.
Genome position (GRCh38, 1-based): chr16:1,510,966-1,510,986, TCCACCACCTCCTCGTCCAGC deleted on the plus strand (GCTGGACGAGGAGGTGGTGGA on the coding strand, the reverse complement: IFT140 is on the minus strand); deleting any 21 consecutive bases within chr16:1,510,966-1,510,989 gives the same sequence; the c. name uses the placement nearest the transcript's 3' end. VCF-style (leftmost placement, unchanged base first): chr16-1510965-TTCCACCACCTCCTCGTCCAGC-T. GRCh37 (hg19) VCF-style: chr16-1560966-TTCCACCACCTCCTCGTCCAGC-T.
Identifiers: ClinVar variation 1362984 (VCV001362984.7), dbSNP rs760889117, ClinGen allele CA7812771.